The following is an entry in ClinVar:

ClinVar aggregate classification (germline): Uncertain significance (1 of 4 stars; one submission).

Conditions:
Hypertrophic cardiomyopathy 26. Also called: Cardiomyopathy, familial hypertrophic, 26. Identifiers: Orphanet 75249, MedGen C4310749, MONDO:0014883, OMIM 617047.
Myofibrillar myopathy 5. Also called: FILAMINOPATHY, AUTOSOMAL DOMINANT; Filaminopathy (type). Identifiers: Orphanet 171445, MedGen C1836050, MONDO:0012289, OMIM 609524.
Distal myopathy with posterior leg and anterior hand involvement. Also called: WILLIAMS DISTAL MYOPATHY. Identifiers: Orphanet 63273, MedGen C3279722, MONDO:0013550, OMIM 614065.

Allele frequency attached by ClinVar (database versions not stated): TOPMed below 0.00001.

Submission:

Labcorp Genetics (formerly Invitae), Labcorp
Classification: Uncertain significance for Distal myopathy with posterior leg and anterior hand involvement; Myofibrillar myopathy 5; Hypertrophic cardiomyopathy 26. Last evaluated: 2019-07-30. Review status: criteria provided, single submitter. Criteria: Invitae Variant Classification Sherloc (09022015). Collection method: clinical testing. Allele origin: germline.
Comment: This sequence change replaces proline with arginine at codon 1126 of the FLNC protein (p.Pro1126Arg). The proline residue is moderately conserved and there is a moderate physicochemical difference between proline and arginine. This variant is not present in population databases (ExAC no frequency). This variant has not been reported in the literature in individuals with FLNC-related conditions. Algorithms developed to predict the effect of missense changes on protein structure and function are either unavailable or do not agree on the potential impact of this missense change (SIFT: "Deleterious"; PolyPhen-2: "Probably Damaging"; Align-GVGD: "Class C0"). In summary, the available evidence is currently insufficient to determine the role of this variant in disease. Therefore, it has been classified as a Variant of Uncertain Significance.

NM_001458.5(FLNC):c.3377C>G (p.Pro1126Arg)

Gene: FLNC (filamin C; plus strand). Cytogenetic location: 7q32.1.
Variant type: single nucleotide variant.
Coding change: c.3377C>G on transcript NM_001458.5 (MANE Select); coding-DNA position 3377, C replaced by G.
Protein change: p.Pro1126Arg; replaces proline 1126 with arginine.
Molecular consequence: missense variant.
Genome position (GRCh38, 1-based): chr7:128,844,842, C>G. VCF-style: chr7-128844842-C-G. GRCh37 (hg19) VCF-style: chr7-128484896-C-G.
Other names: c.3377C>G, p.Pro1126Arg (NM_001127487.2); short protein forms P1126R.
Identifiers: ClinVar variation 954190 (VCV000954190.10), dbSNP rs1808488088, ClinGen allele CA369196666.
Genomic context (GRCh38, chr7:128,844,842, plus strand): 5'-AGATCGAGTGCCAGGACAATGGTGATGGCTCATGTGCTGTCAGCTACCTGCCCACGGAGC[C>G]TGGCGAGTACACCATCAACATCCTGTTTGCTGAGGCCCACATCCCTGGCTCGCCCTTCAA-3'
Protein context (NP_001449.3, residues 1116-1136): SCAVSYLPTE[Pro1126Arg]GEYTINILFA